The following is an entry in ClinVar:

ClinVar aggregate classification (germline): Uncertain significance (1 of 4 stars; one submission).

gnomAD v4.1: 1 of 1,610,096 alleles (0.000062%); highest among the groups gnomAD compares: Non-Finnish European, 0.000085%; no homozygotes.

Submission:

GeneDx
Classification: Uncertain significance. Last evaluated: 2025-09-24. Review status: criteria provided, single submitter. Criteria: GeneDx Variant Classification Process June 2021. Collection method: clinical testing. Allele origin: germline. Affected: yes.
Comment: Has not been previously published as pathogenic or benign to our knowledge; Located in a regulatory region; in the absence of functional studies, the actual effect of this sequence change is unknown

NM_001370100.5(ZMYND11):c.-2T>A

Gene: ZMYND11 (zinc finger MYND-type containing 11; plus strand). Cytogenetic location: 10p15.3.
Variant type: single nucleotide variant.
Coding change: c.-2T>A on transcript NM_001370100.5 (MANE Select); 2 bases upstream of the start codon, T replaced by A.
Molecular consequence: 5 prime UTR variant. On other transcripts: non-coding transcript variant (1), intron variant (5).
Genome position (GRCh38, 1-based): chr10:180,011, T>A. VCF-style: chr10-180011-T-A. GRCh37 (hg19) VCF-style: chr10-225951-T-A.
Other names: c.-2T>A (NM_001202464.3, NM_001202465.3, NM_001202466.3 and 24 more transcripts); c.-148T>A (NM_001330057.3, NM_001370112.2, NM_001370123.2); c.-4-29878T>A (NM_001370118.2, NM_001370121.2); c.51-29878T>A (NM_001370116.2, NM_001370120.2); c.-34+45119T>A (NM_001370124.3).
Identifiers: ClinVar variation 4818911 (VCV004818911.1).
Genomic context (GRCh38, chr10:180,011, plus strand): 5'-TGTAATCTGTTTTTTTCCCTTATGTTTTTGTTTATTACTGCAGCTAAAGAAGTAAACAGG[T>A]CATGGCACGTTTAACAAAAAGACGACAGGCGGATACAAAAGCTATCCAGCATCTTTGGGC-3'